The following is an entry in ClinVar:

NM_138711.6(PPARG):c.1386T>G (p.Ser462Arg)

Gene: PPARG (peroxisome proliferator activated receptor gamma; plus strand). Cytogenetic location: 3p25.2.
Variant type: single nucleotide variant.
Coding change: c.1386T>G on transcript NM_138711.6 (MANE Select); coding-DNA position 1386, T replaced by G.
Protein change: p.Ser462Arg; replaces serine 462 with arginine.
Molecular consequence: missense variant. On other transcripts: 3 prime UTR variant (5).
Genome position (GRCh38, 1-based): chr3:12,434,103, T>G. VCF-style: chr3-12434103-T-G. GRCh37 (hg19) VCF-style: chr3-12475602-T-G.
Other names: c.*188T>G (NM_001330615.4, NM_001374261.3, NM_001374262.3 and 1 more transcripts); c.1386T>G, p.Ser462Arg (NM_001354666.3, NM_001354667.3, NM_001374263.2 and 3 more transcripts); c.759T>G, p.Ser253Arg (NM_001354669.2); c.*172T>G (NM_001374266.1); c.1476T>G, p.Ser492Arg (NM_015869.5); short protein forms S253R, S462R, S492R.
Identifiers: ClinVar variation 3357560 (VCV003357560.1).
Genomic context (GRCh38, chr3:12,434,103, plus strand): 5'-GATTGTCACGGAACACGTGCAGCTACTGCAGGTGATCAAGAAGACGGAGACAGACATGAG[T>G]CTTCACCCGCTCCTGCAGGAGATCTACAAGGACTTGTACTAGCAGAGAGTCCTGAGCCAC-3'
Protein context (NP_619725.3, residues 452-472): QVIKKTETDM[Ser462Arg]LHPLLQEIYK

ClinVar aggregate classification (germline): Uncertain significance (0 of 4 stars; one submission).

Conditions:
PPARG-related disorder. Also called: PPARG-related disorders; PPARG-related condition.

gnomAD v4.1: 2 of 1,613,990 alleles (0.00012%); highest among the groups gnomAD compares: Non-Finnish European, 0.000085%; no homozygotes.

Submission:

PreventionGenetics, part of Exact Sciences
Classification: Uncertain significance for PPARG-related condition. Last evaluated: 2024-07-30. Review status: no assertion criteria provided. Collection method: clinical testing. Allele origin: germline.
Comment: The PPARG c.1476T>G variant is predicted to result in the amino acid substitution p.Ser492Arg. To our knowledge, this variant has not been reported in the literature. This variant is reported in 0.0029% of alleles in individuals of Latino descent in gnomAD. At this time, the clinical significance of this variant is uncertain due to the absence of conclusive functional and genetic evidence.